The following is an entry in ClinVar:

ClinVar aggregate classification (germline): Uncertain significance (1 of 4 stars; one submission).

Conditions:
Autosomal dominant limb-girdle muscular dystrophy type 1F (LGMDD2). Also called: Limb-girdle muscular dystrophy, type 1F; MUSCULAR DYSTROPHY, LIMB-GIRDLE, AUTOSOMAL DOMINANT 2. Identifiers: Orphanet 55595, MedGen C1842062, MONDO:0012034, OMIM 608423.

Submission:

Labcorp Genetics (formerly Invitae), Labcorp
Classification: Uncertain significance for Autosomal dominant limb-girdle muscular dystrophy type 1F. Last evaluated: 2023-03-24. Review status: criteria provided, single submitter. Criteria: Invitae Variant Classification Sherloc (09022015). Collection method: clinical testing. Allele origin: germline.
Comment: In summary, the available evidence is currently insufficient to determine the role of this variant in disease. Therefore, it has been classified as a Variant of Uncertain Significance. This sequence change replaces proline, which is neutral and non-polar, with histidine, which is basic and polar, at codon 573 of the TNPO3 protein (p.Pro573His). This variant is not present in population databases (gnomAD no frequency). This variant has not been reported in the literature in individuals affected with TNPO3-related conditions. Advanced modeling of protein sequence and biophysical properties (such as structural, functional, and spatial information, amino acid conservation, physicochemical variation, residue mobility, and thermodynamic stability) performed at Invitae indicates that this missense variant is not expected to disrupt TNPO3 protein function.

NM_012470.4(TNPO3):c.1718C>A (p.Pro573His)

Gene: TNPO3 (transportin 3; minus strand). Cytogenetic location: 7q32.1.
Variant type: single nucleotide variant.
Coding change: c.1718C>A on transcript NM_012470.4 (MANE Select); coding-DNA position 1718, C replaced by A.
Protein change: p.Pro573His; replaces proline 573 with histidine.
Molecular consequence: missense variant. On other transcripts: non-coding transcript variant (18).
Genome position (GRCh38, 1-based): chr7:128,984,232, G>T on the plus strand (C>A on the coding strand, the complement: TNPO3 is on the minus strand). VCF-style: chr7-128984232-G-T. GRCh37 (hg19) VCF-style: chr7-128624286-G-T.
Other names: c.1526C>A, p.Pro509His (NM_001191028.3, NM_001382223.1); c.1820C>A, p.Pro607His (NM_001382216.1); c.1799C>A, p.Pro600His (NM_001382217.1); c.1718C>A, p.Pro573His (NM_001382218.1, NM_001382220.1); c.1610C>A, p.Pro537His (NM_001382219.1); c.1574C>A, p.Pro525His (NM_001382221.1); c.1571C>A, p.Pro524His (NM_001382222.1); short protein forms P525H, P607H, P524H, P537H, P509H, P573H, P600H.
Identifiers: ClinVar variation 2820827 (VCV002820827.3), dbSNP rs759250594, ClinGen allele CA369224963.